The following is an entry in ClinVar:

NM_000051.4(ATM):c.4304A>G (p.Lys1435Arg)

Gene: ATM (ATM serine/threonine kinase; plus strand). Cytogenetic location: 11q22.3.
Variant type: single nucleotide variant.
Coding change: c.4304A>G on transcript NM_000051.4 (MANE Select); coding-DNA position 4304, A replaced by G.
Protein change: p.Lys1435Arg; replaces lysine 1435 with arginine.
Molecular consequence: missense variant.
Genome position (GRCh38, 1-based): chr11:108,289,669, A>G. VCF-style: chr11-108289669-A-G. GRCh37 (hg19) VCF-style: chr11-108160396-A-G.
Other names: c.4304A>G, p.Lys1435Arg (NM_001351834.2); short protein forms K1435R.
Identifiers: ClinVar variation 485224 (VCV000485224.16), dbSNP rs769980220, ClinGen allele CA6265433.

ClinVar aggregate classification (germline): Uncertain significance. Review status: criteria provided, multiple submitters, no conflicts (2 of 4 stars). 4 submissions from 4 submitters: Uncertain significance (4). Last evaluated 2025-09-10.

Conditions:
Hereditary cancer-predisposing syndrome. Also called: Hereditary neoplastic syndrome; Neoplastic Syndromes, Hereditary; Tumor predisposition; Hereditary Cancer Syndrome. Identifiers: Orphanet 140162, MedGen C0027672, MeSH D009386, MONDO:0015356.
Ataxia-telangiectasia syndrome (AT). Also called: LOUIS-BAR SYNDROME; Cerebello-oculocutaneous telangiectasia; Immunodeficiency with ataxia telangiectasia; AT, COMPLEMENTATION GROUP C; Ataxia-telangiectasia, complementation group D; ATAXIA-TELANGIECTASIA, COMPLEMENTATION GROUP A. Identifiers: Orphanet 100, MedGen C0004135, MONDO:0008840, OMIM 208900.

gnomAD v4.1: 6 of 1,612,956 alleles (0.00037%); highest among the groups gnomAD compares: Non-Finnish European, 0.00051%; no homozygotes.

Submissions (4):

Labcorp Genetics (formerly Invitae), Labcorp
Classification: Uncertain significance for Ataxia-telangiectasia syndrome. Last evaluated: 2025-09-10. Review status: criteria provided, single submitter. Criteria: Invitae Variant Classification Sherloc (09022015). Collection method: clinical testing. Allele origin: germline.
Comment: This sequence change replaces lysine, which is basic and polar, with arginine, which is basic and polar, at codon 1435 of the ATM protein (p.Lys1435Arg). This variant is present in population databases (rs769980220, gnomAD 0.0009%). This variant has not been reported in the literature in individuals affected with ATM-related conditions. ClinVar contains an entry for this variant (Variation ID: 485224). Invitae Evidence Modeling of protein sequence and biophysical properties (such as structural, functional, and spatial information, amino acid conservation, physicochemical variation, residue mobility, and thermodynamic stability) indicates that this missense variant is not expected to disrupt ATM protein function with a negative predictive value of 95%. In summary, the available evidence is currently insufficient to determine the role of this variant in disease. Therefore, it has been classified as a Variant of Uncertain Significance.

Ambry Genetics
Classification: Uncertain significance for Hereditary cancer-predisposing syndrome. Last evaluated: 2025-01-10. Review status: criteria provided, single submitter. Criteria: Ambry Variant Classification Scheme 2023. Collection method: clinical testing. Allele origin: germline.
Comment: The p.K1435R variant (also known as c.4304A>G), located in coding exon 28 of the ATM gene, results from an A to G substitution at nucleotide position 4304. The lysine at codon 1435 is replaced by arginine, an amino acid with highly similar properties. This amino acid position is well conserved in through mammals; however, arginine is the reference amino acid in other vertebrate species. In addition, this alteration is predicted to be tolerated by in silico analysis. Based on the available evidence, the clinical significance of this variant remains unclear.

Color Diagnostics, LLC DBA Color Health
Classification: Uncertain significance for Hereditary cancer-predisposing syndrome. Last evaluated: 2024-09-09. Review status: criteria provided, single submitter. Criteria: ACMG Guidelines, 2015. Collection method: clinical testing. Allele origin: germline.
Comment: This missense variant replaces lysine with arginine at codon 1435 of the ATM protein. Computational prediction suggests that this variant may not impact protein structure and function. To our knowledge, functional studies have not been reported for this variant. This variant has not been reported in individuals affected with ATM-related disorders in the literature. This variant has been identified in 1/250358 chromosomes in the general population by the Genome Aggregation Database (gnomAD). The available evidence is insufficient to determine the role of this variant in disease conclusively. Therefore, this variant is classified as a Variant of Uncertain Significance.

Women's Health and Genetics/Laboratory Corporation of America, LabCorp
Classification: Uncertain significance. Last evaluated: 2018-03-30. Review status: criteria provided, single submitter. Criteria: LabCorp Variant Classification Summary - May 2015. Collection method: clinical testing. Allele origin: germline.
Comment: Variant summary: ATM c.4304A>G (p.Lys1435Arg) results in a conservative amino acid change in the encoded protein sequence. Four of five in-silico tools predict a benign effect of the variant on protein function. The variant allele was found at a frequency of 4.1e-06 in 245272 control chromosomes (gnomAD). The available data on variant occurrences in the general population are insufficient to allow any conclusion about variant significance. The variant, c.4304A>G, has been reported in the literature in control individuals from a case-control study (Tiao_2017). This report does not provide any conclusions about an association of the variant with Breast Cancer. To our knowledge, no experimental evidence demonstrating an impact on protein function has been reported. Multiple ClinVar submissions from clinical diagnostic laboratories (evaluation after 2014) cite the variant as "uncertain significance." Based on the evidence outlined above, the variant was classified as uncertain significance.

Literature cited by the submitters: PubMed 28652578 (cited by Women's Health and Genetics/Laboratory Corporation of America, LabCorp).